The following is an entry in ClinVar:

NM_007294.4(BRCA1):c.2188_2201del (p.Glu730fs)

Gene: BRCA1 (BRCA1 DNA repair associated; minus strand). Cytogenetic location: 17q21.31.
Variant type: Deletion.
Coding change: c.2188_2201del on transcript NM_007294.4 (MANE Select); coding-DNA positions 2188 to 2201, 14 bases deleted (GAAAAAGAAGAGAA).
Protein change: p.Glu730fs; shifts the reading frame from glutamic acid 730.
Molecular consequence: frameshift variant. On other transcripts: intron variant (137).
Genome position (GRCh38, 1-based): chr17:43,093,330-43,093,343, TTCTCTTCTTTTTC deleted on the plus strand (GAAAAAGAAGAGAA on the coding strand, the reverse complement: BRCA1 is on the minus strand); deleting any 14 consecutive bases within chr17:43,093,330-43,093,350 gives the same sequence; the c. name uses the placement nearest the transcript's 3' end. VCF-style (leftmost placement, unchanged base first): chr17-43093329-TTTCTCTTCTTTTTC-T. GRCh37 (hg19) VCF-style: chr17-41245346-TTTCTCTTCTTTTTC-T.
Other names: 2307del14; 2307_2320del14; c.2188_2201delGAAAAAGAAGAGAA (NM_007294.3); c.2188_2201del, p.Glu730fs (NM_001407652.1, NM_001407684.1, NM_001407854.1 and 30 more transcripts); c.2110_2123del, p.Glu704fs (NM_001407653.1, NM_001407654.1, NM_001407655.1 and 4 more transcripts); c.2107_2120del, p.Glu703fs (NM_001407659.1, NM_001407660.1, NM_001407661.1 and 1 more transcripts); c.2065_2078del, p.Glu689fs (NM_001407664.1, NM_001407665.1, NM_001407666.1 and 19 more transcripts); c.2062_2075del, p.Glu688fs (NM_001407670.1, NM_001407671.1, NM_001407672.1 and 11 more transcripts); and 44 more; short protein forms E683fs, E730fs, E434fs, E662fs, E562fs, E602fs, E641fs, E642fs.
Identifiers: ClinVar variation 54489 (VCV000054489.24), dbSNP rs273898681, ClinGen allele CA001460.

ClinVar aggregate classification (germline): Pathogenic. Review status: reviewed by expert panel (3 of 4 stars). 9 submissions from 9 submitters: Pathogenic (1). 8 of the submissions do not count toward it. Last evaluated 2016-04-22.

Conditions:
Hereditary cancer-predisposing syndrome. Also called: Tumor predisposition; Neoplastic Syndromes, Hereditary; Hereditary Cancer Syndrome; Hereditary neoplastic syndrome. Identifiers: Orphanet 140162, MedGen C0027672, MeSH D009386, MONDO:0015356.
Hereditary breast ovarian cancer syndrome. Also called: Hereditary breast and ovarian cancer syndrome (HBOC); Hereditary breast and ovarian cancer syndrome; Hereditary breast and ovarian cancer; Hereditary breast and/or ovarian cancer syndrome; Breast and ovarian cancer; BRCA1- and BRCA2-Associated Hereditary Breast and Ovarian Cancer. Identifiers: Orphanet 145, MedGen C0677776, MeSH D061325, MONDO:0003582. Disease mechanism: loss of function.
Breast-ovarian cancer, familial, susceptibility to, 1 (BROVCA1). Also called: OVARIAN CANCER, SUSCEPTIBILITY TO; BRCA1 Hereditary Breast and Ovarian Cancer. Identifiers: Orphanet 145, MedGen C2676676, MONDO:0011450, OMIM 604370. Disease mechanism: loss of function.

Submissions (9):

Evidence-based Network for the Interpretation of Germline Mutant Alleles (ENIGMA)
Classification: Pathogenic for Breast-ovarian cancer, familial, susceptibility to, 1. Last evaluated: 2016-04-22. Review status: reviewed by expert panel. Criteria: ENIGMA BRCA1/2 Classification Criteria (2015). Collection method: curation. Allele origin: germline.
Comment: Variant allele predicted to encode a truncated non-functional protein.

Labcorp Genetics (formerly Invitae), Labcorp
Classification: Pathogenic for Hereditary breast ovarian cancer syndrome. Last evaluated: 2025-03-24. Review status: criteria provided, single submitter. Criteria: Invitae Variant Classification Sherloc (09022015). Collection method: clinical testing. Allele origin: germline. Not counted in ClinVar's aggregate classification.
Comment: This sequence change creates a premature translational stop signal (p.Glu730Thrfs*5) in the BRCA1 gene. It is expected to result in an absent or disrupted protein product. Loss-of-function variants in BRCA1 are known to be pathogenic (PMID: 20104584). This variant is not present in population databases (gnomAD no frequency). This premature translational stop signal has been observed in individual(s) with clinical features of BRCA1-related conditions (PMID: 10923033, 21520333). ClinVar contains an entry for this variant (Variation ID: 54489). For these reasons, this variant has been classified as Pathogenic.

Ambry Genetics
Classification: Pathogenic for Hereditary cancer-predisposing syndrome. Last evaluated: 2024-07-02. Review status: criteria provided, single submitter. Criteria: Ambry Variant Classification Scheme 2023. Collection method: clinical testing. Allele origin: germline. Not counted in ClinVar's aggregate classification.
Comment: The c.2188_2201del14 pathogenic mutation, located in coding exon 9 of the BRCA1 gene, results from a deletion of 14 nucleotides at nucleotide positions 2188 to 2201, causing a translational frameshift with a predicted alternate stop codon (p.E730Tfs*5). This variant is considered to be rare based on population cohorts in the Genome Aggregation Database (gnomAD). This alteration is expected to result in loss of function by premature protein truncation or nonsense-mediated mRNA decay. As such, this alteration is interpreted as a disease-causing mutation.

GeneDx
Classification: Pathogenic. Last evaluated: 2022-09-19. Review status: criteria provided, single submitter. Criteria: GeneDx Variant Classification Process June 2021. Collection method: clinical testing. Allele origin: germline. Not counted in ClinVar's aggregate classification.
Comment: Frameshift variant predicted to result in protein truncation or nonsense mediated decay in a gene for which loss of function is a known mechanism of disease; Not observed at significant frequency in large population cohorts (gnomAD); Truncating variants in this gene are considered pathogenic by a well-established clinical consortium and/or database; Has not been previously published as pathogenic or benign to our knowledge; Also known as 2307_2320del, 2307del; This variant is associated with the following publications: (PMID: 21702907, 19648928, 31897316)

Color Diagnostics, LLC DBA Color Health
Classification: Pathogenic for Hereditary cancer-predisposing syndrome. Last evaluated: 2020-08-04. Review status: criteria provided, single submitter. Criteria: ACMG Guidelines, 2015. Collection method: clinical testing. Allele origin: germline. Not counted in ClinVar's aggregate classification.
Comment: This variant deletes 14 nucleotides in exon 10 of the BRCA1 gene, creating a frameshift and premature translation stop signal. This variant is expected to result in an absent or non-functional protein product. This variant has not been identified in the general population by the Genome Aggregation Database (gnomAD). Loss of BRCA1 function is a known mechanism of disease. Based on the available evidence, this variant is classified as Pathogenic.

Quest Diagnostics Nichols Institute San Juan Capistrano
Classification: Pathogenic. Last evaluated: 2018-11-16. Review status: criteria provided, single submitter. Criteria: Quest Diagnostics criteria. Collection method: clinical testing. Allele origin: germline. Not counted in ClinVar's aggregate classification.
Comment: The variant results in a shift of the reading frame, and is therefore predicted to result in the loss of a functional protein. Found in at least one symptomatic patient, and not found in general population data.

Consortium of Investigators of Modifiers of BRCA1/2 (CIMBA), c/o University of Cambridge
Classification: Pathogenic for Breast-ovarian cancer, familial, susceptibility to, 1. Last evaluated: 2015-10-02. Review status: criteria provided, single submitter. Criteria: CIMBA Mutation Classification guidelines May 2016. Collection method: clinical testing. Allele origin: germline. Not counted in ClinVar's aggregate classification.

Counsyl
Classification: Likely pathogenic for Breast-ovarian cancer, familial, susceptibility to, 1. Last evaluated: 2017-07-25. Review status: no assertion criteria provided. Collection method: clinical testing. Allele origin: unknown. Not counted in ClinVar's aggregate classification.

Breast Cancer Information Core (BIC) (BRCA1)
Classification: Pathogenic for Breast-ovarian cancer, familial 1. Last evaluated: 2005-12-20. Review status: no assertion criteria provided. Collection method: clinical testing. Allele origin: germline. Affected: yes. Observed: 1 variant allele. Not counted in ClinVar's aggregate classification.

Literature cited by the submitters: PubMed 20104584 (cited by Labcorp Genetics (formerly Invitae), Labcorp); PubMed 10923033 (cited by Labcorp Genetics (formerly Invitae), Labcorp); PubMed 21520333 (cited by Labcorp Genetics (formerly Invitae), Labcorp); PubMed 19648928 (cited by Quest Diagnostics Nichols Institute San Juan Capistrano); PubMed 21702907 (cited by Counsyl).